The following is an entry in ClinVar:

ClinVar aggregate classification (germline): Uncertain significance (1 of 4 stars; one submission).

Conditions:
Fucosidosis. Also called: ALPHA-L-FUCOSIDASE DEFICIENCY. Identifiers: Orphanet 349, MedGen C0016788, MONDO:0009254, OMIM 230000.

Allele frequency attached by ClinVar (database versions not stated): TOPMed below 0.00001.

Submission:

Labcorp Genetics (formerly Invitae), Labcorp
Classification: Uncertain significance for Fucosidosis. Last evaluated: 2021-06-03. Review status: criteria provided, single submitter. Criteria: Invitae Variant Classification Sherloc (09022015). Collection method: clinical testing. Allele origin: germline.
Comment: This sequence change replaces aspartic acid with histidine at codon 437 of the FUCA1 protein (p.Asp437His). The aspartic acid residue is weakly conserved and there is a moderate physicochemical difference between aspartic acid and histidine. This variant is not present in population databases (ExAC no frequency). This variant has not been reported in the literature in individuals with FUCA1-related conditions. Algorithms developed to predict the effect of missense changes on protein structure and function (SIFT, PolyPhen-2, Align-GVGD) all suggest that this variant is likely to be tolerated, but these predictions have not been confirmed by published functional studies and their clinical significance is uncertain. In summary, the available evidence is currently insufficient to determine the role of this variant in disease. Therefore, it has been classified as a Variant of Uncertain Significance.

NM_000147.5(FUCA1):c.1309G>C (p.Asp437His)

Gene: FUCA1 (alpha-L-fucosidase 1; minus strand). Cytogenetic location: 1p36.11.
Variant type: single nucleotide variant.
Coding change: c.1309G>C on transcript NM_000147.5 (MANE Select); coding-DNA position 1309, G replaced by C.
Protein change: p.Asp437His; replaces aspartic acid 437 with histidine.
Molecular consequence: missense variant.
Genome position (GRCh38, 1-based): chr1:23,845,807, C>G on the plus strand (G>C on the coding strand, the complement: FUCA1 is on the minus strand). VCF-style: chr1-23845807-C-G. GRCh37 (hg19) VCF-style: chr1-24172297-C-G.
Other names: short protein forms D437H.
Identifiers: ClinVar variation 1515477 (VCV001515477.8), dbSNP rs1639125891, ClinGen allele CA339034029.
Genomic context (GRCh38, chr1:23,845,807, plus strand): 5'-CAAACTCTGCGGGGACAGCAGAGGGTGGCAACTGGGGTAGAGAGATGAAGAGACCTTTAT[C>G]TGGATCTGTGGACCACTTCAGATCTCCTTGAATTCCCAGCATTGTTATCTGCAGAAAACA-3'
Protein context (NP_000138.2, residues 427-447): QGDLKWSTDP[Asp437His]KGLFISLPQL